The following is an entry in ClinVar:

NM_000038.6(APC):c.1105T>C (p.Leu369=)

Gene: APC (APC regulator of Wnt signaling pathway; plus strand). Cytogenetic location: 5q22.2.
Variant type: single nucleotide variant.
Coding change: c.1105T>C on transcript NM_000038.6 (MANE Select); coding-DNA position 1105, T replaced by C.
Protein change: p.Leu369=; no amino-acid change (leucine 369 retained).
Molecular consequence: synonymous variant. On other transcripts: non-coding transcript variant (2), intron variant (15).
Genome position (GRCh38, 1-based): chr5:112,819,137, T>C. VCF-style: chr5-112819137-T-C. GRCh37 (hg19) VCF-style: chr5-112154834-T-C.
Other names: c.1105T>C, p.Leu369= (NM_001127510.3, NM_001354895.2, NM_001354896.2 and 4 more transcripts); c.1051T>C, p.Leu351= (NM_001127511.3); c.1135T>C, p.Leu379= (NM_001354897.2, NM_001407446.1); c.1030T>C, p.Leu344= (NM_001354898.2, NM_001407451.1); c.1021T>C, p.Leu341= (NM_001354899.2, NM_001407452.1); c.928T>C, p.Leu310= (NM_001354900.2, NM_001354901.2, NM_001407453.1); c.256T>C, p.Leu86= (NM_001354906.2, NM_001407470.1); c.85-132T>C (NM_001407472.1, NM_001407471.1); and 5 more.
Identifiers: ClinVar variation 3148743 (VCV003148743.1), dbSNP rs1762836011, ClinGen allele CA445960276.
Genomic context (GRCh38, chr5:112,819,137, plus strand): 5'-CAGTCTGGATGTCTTCCTCTCCTCATCCAGCTTTTACATGGCAATGACAAAGACTCTGTA[T>C]TGTTGGGAAATTCCCGGGGCAGTAAAGAGGCTCGGGCCAGGGCCAGTGCAGCACTCCACA-3'
Protein context (NP_000029.2, residues 359-379): LLHGNDKDSV[Leu369=]LGNSRGSKEA

ClinVar aggregate classification (germline): Benign (1 of 4 stars; one submission).

Conditions:
Familial adenomatous polyposis 1 (FAP1). Also called: POLYPOSIS, ADENOMATOUS INTESTINAL; FAMILIAL ADENOMATOUS POLYPOSIS 1, ATTENUATED. Identifiers: MedGen C2713442, MONDO:0021056, OMIM 175100. Disease mechanism: loss of function.

Submission:

Myriad Genetics, Inc.
Classification: Benign for Familial adenomatous polyposis 1. Last evaluated: 2024-02-29. Review status: criteria provided, single submitter. Criteria: Myriad Autosomal Dominant, Autosomal Recessive and X-Linked Classification Criteria (2023). Collection method: clinical testing. Allele origin: unknown.
Comment: This variant is considered benign. This variant is a silent/synonymous amino acid change and it is not expected to impact splicing.